The following is an entry in ClinVar:

ClinVar aggregate classification (germline): Uncertain significance. Review status: criteria provided, multiple submitters, no conflicts (2 of 4 stars). 3 submissions from 3 submitters: Uncertain significance (3). Last evaluated 2026-03-16.

Conditions:
Hypertrophic cardiomyopathy. Also called: HYPERTROPHIC MYOCARDIOPATHY. Identifiers: Orphanet 217569, MedGen C0007194, MeSH D002312, MONDO:0005045, HP:0001639.

Allele frequency attached by ClinVar (database versions not stated): TOPMed below 0.00001; gnomAD 0.00001.

Submissions (3):

GeneDx
Classification: Uncertain significance. Last evaluated: 2026-03-16. Review status: criteria provided, single submitter. Criteria: GeneDx Variant Classification Process June 2021. Collection method: clinical testing. Allele origin: germline.
Comment: Not observed at significant frequency in large population cohorts (gnomAD); In silico analysis supports that this missense variant has a deleterious effect on protein structure/function; Has not been previously published as pathogenic or benign to our knowledge

Labcorp Genetics (formerly Invitae), Labcorp
Classification: Uncertain significance for Hypertrophic cardiomyopathy. Last evaluated: 2024-11-19. Review status: criteria provided, single submitter. Criteria: Invitae Variant Classification Sherloc (09022015). Collection method: clinical testing. Allele origin: germline.
Comment: This sequence change replaces glycine, which is neutral and non-polar, with glutamic acid, which is acidic and polar, at codon 897 of the MYBPC3 protein (p.Gly897Glu). This variant is not present in population databases (gnomAD no frequency). This variant has not been reported in the literature in individuals affected with MYBPC3-related conditions. ClinVar contains an entry for this variant (Variation ID: 644173). An algorithm developed to predict the effect of missense changes on protein structure and function (PolyPhen-2) suggests that this variant is likely to be disruptive. In summary, the available evidence is currently insufficient to determine the role of this variant in disease. Therefore, it has been classified as a Variant of Uncertain Significance.

All of Us Research Program, National Institutes of Health
Classification: Uncertain significance for Hypertrophic cardiomyopathy. Last evaluated: 2024-08-13. Review status: criteria provided, single submitter. Criteria: ACMG Guidelines, 2015. Collection method: clinical testing. Allele origin: germline. Inheritance: Autosomal dominant inheritance. Observed: 1 variant allele, 1 heterozygote.
Comment: This missense variant replaces glycine with glutamic acid at codon 897 of the MYBPC3 protein. Computational prediction is inconclusive regarding the impact of this variant on protein structure and function (internally defined REVEL score threshold 0.5 < inconclusive < 0.7, PMID: 27666373). To our knowledge, functional studies have not been reported for this variant. This variant has not been reported in individuals affected with MYBPC3-related disorders in the literature. This variant has not been identified in the general population by the Genome Aggregation Database (gnomAD). The available evidence is insufficient to determine the role of this variant in disease conclusively. Therefore, this variant is classified as a Variant of Uncertain Significance.

This study involves interpretation of variants in research participants for the purpose of population health screening. Participant phenotype was not available at the time of variant classification. Additional details can be found in publication PMID: 35346344, PMCID: PMC8962531

NM_000256.3(MYBPC3):c.2690G>A (p.Gly897Glu)

Gene: MYBPC3 (myosin binding protein C3; minus strand). Cytogenetic location: 11p11.2.
Variant type: single nucleotide variant.
Coding change: c.2690G>A on transcript NM_000256.3 (MANE Select); coding-DNA position 2690, G replaced by A.
Protein change: p.Gly897Glu; replaces glycine 897 with glutamic acid.
Molecular consequence: missense variant.
Genome position (GRCh38, 1-based): chr11:47,335,924, C>T on the plus strand (G>A on the coding strand, the complement: MYBPC3 is on the minus strand). VCF-style: chr11-47335924-C-T. GRCh37 (hg19) VCF-style: chr11-47357475-C-T.
Other names: c.2690G>A, p.Gly897Glu (LRG_386t1); short protein forms G897E.
Identifiers: ClinVar variation 644173 (VCV000644173.10), dbSNP rs1365263649, ClinGen allele CA380317280.
Genomic context (GRCh38, chr11:47,335,924, plus strand): 5'-CGGGGACACTCACAGCCCTCTGGGCAGTACTCCACGCTGTAGCCATCCAGGCCTCCTGCT[C>T]CCACGCGCTCTGGGGGCCGCCACTTGAGGGAGACCGTGGTGTCAGAGACGTCCTCTACTG-3'
Protein context (NP_000247.2, residues 887-907): SLKWRPPERV[Gly897Glu]AGGLDGYSVE